The following is an entry in ClinVar:

ClinVar aggregate classification (germline): Benign/Likely benign. Review status: criteria provided, multiple submitters, no conflicts (2 of 4 stars). 8 submissions from 8 submitters: Benign (2); Likely benign (6). Last evaluated 2026-01-19.

Conditions:
IGHMBP2-related disorder. Also called: IGHMBP2-related condition; IGHMBP2-related disorders.
Charcot-Marie-Tooth disease axonal type 2S. Also called: CHARCOT-MARIE-TOOTH NEUROPATHY, TYPE 2S; CHARCOT-MARIE-TOOTH DISEASE, AXONAL, AUTOSOMAL RECESSIVE, TYPE 2S. Identifiers: Orphanet 443073, MedGen C4015349, MONDO:0014511, OMIM 616155.
Autosomal recessive distal spinal muscular atrophy 1. Also called: SEVERE INFANTILE AXONAL NEUROPATHY WITH RESPIRATORY FAILURE; SPINAL MUSCULAR ATROPHY, DIAPHRAGMATIC; Spinal muscular atrophy with respiratory distress 1; NEURONOPATHY, SEVERE INFANTILE AXONAL, WITH RESPIRATORY FAILURE; NEURONOPATHY, DISTAL HEREDITARY MOTOR, HARDING TYPE VI; NEUROPATHY, DISTAL HEREDITARY MOTOR, AUTOSOMAL RECESSIVE 1. Identifiers: Orphanet 98920, MedGen C1858517, MONDO:0011436, OMIM 604320.
Charcot-Marie-Tooth disease. Also called: Charcot-Marie-Tooth Neuropathy; Charcot-Marie-Tooth Hereditary Neuropathy. Identifiers: Orphanet 166, MedGen C0007959, MONDO:0015626.

Allele frequency attached by ClinVar (database versions not stated): ESP Exome Variant Server 0.00131; TOPMed 0.00132; 1000 Genomes Project 30x 0.00219; 1000 Genomes Project 0.00220; gnomAD exomes 0.00014 and 0.00029; ExAC 0.00040; gnomAD 0.00119 and 0.00130.
gnomAD v4.1: 387 of 1,614,140 alleles (0.024%); highest among the groups gnomAD compares: African/African-American, 0.41%; 2 homozygotes.

Submissions (8):

Labcorp Genetics (formerly Invitae), Labcorp
Classification: Benign for Autosomal recessive distal spinal muscular atrophy 1; Charcot-Marie-Tooth disease axonal type 2S. Last evaluated: 2026-01-19. Review status: criteria provided, single submitter. Criteria: Invitae Variant Classification Sherloc (09022015). Collection method: clinical testing. Allele origin: germline.

PreventionGenetics, part of Exact Sciences
Classification: Likely benign for IGHMBP2-related condition. Last evaluated: 2025-03-06. Review status: criteria provided, single submitter. Criteria: ACMG Guidelines, 2015. Collection method: clinical testing. Allele origin: germline.
Comment: This variant is classified as likely benign based on ACMG/AMP sequence variant interpretation guidelines (Richards et al. 2015 PMID: 25741868, with internal and published modifications).

Blueprint Genetics
Classification: Likely benign. Last evaluated: 2024-08-28. Review status: criteria provided, single submitter. Criteria: ACMG Guidelines, 2015. Collection method: clinical testing. Allele origin: germline.

CeGaT Center for Human Genetics Tuebingen
Classification: Likely benign. Last evaluated: 2023-03-01. Review status: criteria provided, single submitter. Criteria: CeGaT Center For Human Genetics Tuebingen Variant Classification Criteria Version 2. Collection method: clinical testing. Allele origin: germline. Affected: yes. Observed: 1 variant allele.
Comment: IGHMBP2: BP4, BP7

GeneDx
Classification: Likely benign. Last evaluated: 2019-04-02. Review status: criteria provided, single submitter. Criteria: GeneDx Variant Classification Process June 2021. Collection method: clinical testing. Allele origin: germline. Affected: yes.

Eurofins Ntd Llc (ga)
Classification: Benign. Last evaluated: 2015-03-06. Review status: criteria provided, single submitter. Criteria: EGL Classification Definitions 2015. Collection method: clinical testing. Allele origin: germline. Observed: 1 variant allele, 1 heterozygote.

Breakthrough Genomics
Classification: Likely benign. Review status: criteria provided, single submitter. Criteria: ACMG Guidelines, 2015. Collection method: not provided. Allele origin: germline. Inheritance: Autosomal recessive inheritance. Affected: yes.

Molecular Genetics Laboratory, London Health Sciences Centre
Classification: Likely benign for Charcot-Marie-Tooth disease. Review status: criteria provided, single submitter. Criteria: ACMG Guidelines, 2015. Collection method: clinical testing. Allele origin: germline. Affected: yes.

NM_002180.3(IGHMBP2):c.132C>T (p.Gly44=)

Gene: IGHMBP2 (immunoglobulin mu DNA binding protein 2; plus strand). Cytogenetic location: 11q13.3.
Variant type: single nucleotide variant.
Coding change: c.132C>T on transcript NM_002180.3 (MANE Select); coding-DNA position 132, C replaced by T.
Protein change: p.Gly44=; no amino-acid change (glycine 44 retained).
Molecular consequence: synonymous variant.
Genome position (GRCh38, 1-based): chr11:68,906,114, C>T. VCF-style: chr11-68906114-C-T. GRCh37 (hg19) VCF-style: chr11-68673582-C-T.
Identifiers: ClinVar variation 195162 (VCV000195162.52), dbSNP rs78807992, ClinGen allele CA201605.